The following is an entry in ClinVar:

NM_020461.4(TUBGCP6):c.4967A>G (p.His1656Arg)

Gene: TUBGCP6 (tubulin gamma complex component 6; minus strand). Cytogenetic location: 22q13.33.
Variant type: single nucleotide variant.
Coding change: c.4967A>G on transcript NM_020461.4 (MANE Select); coding-DNA position 4967, A replaced by G.
Protein change: p.His1656Arg; replaces histidine 1656 with arginine.
Molecular consequence: missense variant.
Genome position (GRCh38, 1-based): chr22:50,218,390, T>C on the plus strand (A>G on the coding strand, the complement: TUBGCP6 is on the minus strand). VCF-style: chr22-50218390-T-C. GRCh37 (hg19) VCF-style: chr22-50656819-T-C.
Other names: short protein forms H1656R.
Identifiers: ClinVar variation 4731505 (VCV004731505.1).

ClinVar aggregate classification (germline): Uncertain significance (1 of 4 stars; one submission).

Submission:

Labcorp Genetics (formerly Invitae), Labcorp
Classification: Uncertain significance. Last evaluated: 2025-11-18. Review status: criteria provided, single submitter. Criteria: Invitae Variant Classification Sherloc (09022015). Collection method: clinical testing. Allele origin: germline.
Comment: This sequence change replaces histidine, which is basic and polar, with arginine, which is basic and polar, at codon 1656 of the TUBGCP6 protein (p.His1656Arg). This variant is not present in population databases (gnomAD no frequency). This variant has not been reported in the literature in individuals affected with TUBGCP6-related conditions. An algorithm developed to predict the effect of missense changes on protein structure and function outputs the following: PolyPhen-2: "Benign". The arginine amino acid residue is found in multiple mammalian species, which suggests that this missense change does not adversely affect protein function. In summary, the available evidence is currently insufficient to determine the role of this variant in disease. Therefore, it has been classified as a Variant of Uncertain Significance.